The following is an entry in ClinVar:

ClinVar aggregate classification (germline): Benign/Likely benign. Review status: criteria provided, multiple submitters, no conflicts (2 of 4 stars). 3 submissions from 3 submitters: Benign (1); Likely benign (2). Last evaluated 2025-07-23.

Conditions:
Hereditary cancer-predisposing syndrome. Also called: Hereditary Cancer Syndrome; Neoplastic Syndromes, Hereditary; Tumor predisposition; Hereditary neoplastic syndrome. Identifiers: Orphanet 140162, MedGen C0027672, MeSH D009386, MONDO:0015356.
Familial cancer of breast. Also called: BREAST CANCER, FAMILIAL; Hereditary breast cancer; hereditary breast carcinoma. Identifiers: Orphanet 227535, MedGen C0346153, MONDO:0016419, OMIM 114480. Disease mechanism: loss of function.

Submissions (3):

Labcorp Genetics (formerly Invitae), Labcorp
Classification: Likely benign for Familial cancer of breast. Last evaluated: 2025-07-23. Review status: criteria provided, single submitter. Criteria: Invitae Variant Classification Sherloc (09022015). Collection method: clinical testing. Allele origin: germline.

Myriad Genetics, Inc.
Classification: Benign for Familial cancer of breast. Last evaluated: 2024-07-29. Review status: criteria provided, single submitter. Criteria: Myriad Autosomal Dominant, Autosomal Recessive and X-Linked Classification Criteria (2023). Collection method: clinical testing. Allele origin: unknown.
Comment: This variant is considered benign. This variant is a silent/synonymous amino acid change and it is not expected to impact splicing.

Ambry Genetics
Classification: Likely benign for Hereditary cancer-predisposing syndrome. Last evaluated: 2017-03-13. Review status: criteria provided, single submitter. Criteria: Ambry Variant Classification Scheme 2023. Collection method: clinical testing. Allele origin: germline.

NM_000465.4(BARD1):c.1983G>A (p.Arg661=)

Gene: BARD1 (BRCA1 associated RING domain 1; minus strand). Cytogenetic location: 2q35.
Variant type: single nucleotide variant.
Coding change: c.1983G>A on transcript NM_000465.4 (MANE Select); coding-DNA position 1983, G replaced by A.
Protein change: p.Arg661=; no amino-acid change (arginine 661 retained).
Molecular consequence: synonymous variant. On other transcripts: non-coding transcript variant (3).
Genome position (GRCh38, 1-based): chr2:214,730,429, C>T on the plus strand (G>A on the coding strand, the complement: BARD1 is on the minus strand). VCF-style: chr2-214730429-C-T. GRCh37 (hg19) VCF-style: chr2-215595153-C-T.
Other names: c.1926G>A, p.Arg642= (NM_001282543.2); c.630G>A, p.Arg210= (NM_001282545.2); c.573G>A, p.Arg191= (NM_001282548.2); c.444G>A, p.Arg148= (NM_001282549.2).
Identifiers: ClinVar variation 481410 (VCV000481410.11), dbSNP rs1553612481, ClinGen allele CA431139129.
Genomic context (GRCh38, chr2:214,730,429, plus strand): 5'-GTCATAATAAGAACAATGAAAGTTGTATTAAAAGAAAAATACCAGCTGTTCTCTGTTGAG[C>T]CTGCTTCTGCGTGGACCTTCAGGAATTTCATACTTTTCTTCCTGTTCACATACTTTTCTT-3'
Protein context (NP_000456.2, residues 651-671): YEIPEGPRRS[Arg661=]LNREQLLPKL